The following is an entry in ClinVar:

NM_015015.3(KDM4B):c.1832G>A (p.Arg611Gln)

Gene: KDM4B (lysine demethylase 4B; plus strand). Cytogenetic location: 19p13.3.
Variant type: single nucleotide variant.
Coding change: c.1832G>A on transcript NM_015015.3 (MANE Select); coding-DNA position 1832, G replaced by A.
Protein change: p.Arg611Gln; replaces arginine 611 with glutamine.
Molecular consequence: missense variant.
Genome position (GRCh38, 1-based): chr19:5,131,933, G>A. VCF-style: chr19-5131933-G-A. GRCh37 (hg19) VCF-style: chr19-5131944-G-A.
Other names: c.1934G>A, p.Arg645Gln (NM_001411148.1); short protein forms R611Q, R645Q.
Identifiers: ClinVar variation 3774274 (VCV003774274.2).

ClinVar aggregate classification (germline): Uncertain significance. Review status: criteria provided, multiple submitters, no conflicts (2 of 4 stars). 2 submissions from 2 submitters: Uncertain significance (2). Last evaluated 2024-09-19.

Conditions:
Intellectual developmental disorder, autosomal dominant 65. Also called: MENTAL RETARDATION, AUTOSOMAL DOMINANT 65. Identifiers: MedGen C5543371, MONDO:0023657, OMIM 619320.

gnomAD v4.1: 2 of 1,612,590 alleles (0.00012%); highest among the groups gnomAD compares: Non-Finnish European, 0.00017%; no homozygotes.

Submissions (2):

GeneDx
Classification: Uncertain significance. Last evaluated: 2024-09-19. Review status: criteria provided, single submitter. Criteria: GeneDx Variant Classification Process June 2021. Collection method: clinical testing. Allele origin: germline. Affected: yes.
Comment: Not observed at significant frequency in large population cohorts (gnomAD); In silico analysis indicates that this missense variant does not alter protein structure/function; Has not been previously published as pathogenic or benign to our knowledge

Laboratorio de Genetica e Diagnostico Molecular, Hospital Israelita Albert Einstein
Classification: Uncertain significance for Intellectual developmental disorder, autosomal dominant 65. Last evaluated: 2024-02-23. Review status: criteria provided, single submitter. Criteria: ACMG Guidelines, 2015. Collection method: clinical testing. Allele origin: germline. Affected: yes.
Comment: ACMG classification criteria: PM2 supporting, BP4 supporting